The following is an entry in ClinVar:

ClinVar aggregate classification (germline): Uncertain significance. Review status: criteria provided, multiple submitters, no conflicts (2 of 4 stars). 2 submissions from 2 submitters: Uncertain significance (2). Last evaluated 2026-09-25.

Submissions (2):

GeneDx
Classification: Uncertain significance. Last evaluated: 2026-09-25. Review status: criteria provided, single submitter. Criteria: GeneDx Variant Classification Process June 2021. Collection method: clinical testing. Allele origin: germline.
Comment: Not observed at significant frequency in large population cohorts (gnomAD); In silico analysis suggests that this missense variant does not alter protein structure/function; Has not been previously published as pathogenic or benign to our knowledge

Labcorp Genetics (formerly Invitae), Labcorp
Classification: Uncertain significance. Last evaluated: 2023-06-09. Review status: criteria provided, single submitter. Criteria: Invitae Variant Classification Sherloc (09022015). Collection method: clinical testing. Allele origin: germline.
Comment: In summary, the available evidence is currently insufficient to determine the role of this variant in disease. Therefore, it has been classified as a Variant of Uncertain Significance. Advanced modeling of protein sequence and biophysical properties (such as structural, functional, and spatial information, amino acid conservation, physicochemical variation, residue mobility, and thermodynamic stability) has been performed at Invitae for this missense variant, however the output from this modeling did not meet the statistical confidence thresholds required to predict the impact of this variant on HUWE1 protein function. This variant has not been reported in the literature in individuals affected with HUWE1-related conditions. This variant is not present in population databases (gnomAD no frequency). This sequence change replaces aspartic acid, which is acidic and polar, with asparagine, which is neutral and polar, at codon 3821 of the HUWE1 protein (p.Asp3821Asn).

NM_031407.7(HUWE1):c.11461G>A (p.Asp3821Asn)

Gene: HUWE1 (HECT, UBA and WWE domain containing E3 ubiquitin protein ligase 1; minus strand). Cytogenetic location: Xp11.22.
Variant type: single nucleotide variant.
Coding change: c.11461G>A on transcript NM_031407.7 (MANE Select); coding-DNA position 11461, G replaced by A.
Protein change: p.Asp3821Asn; replaces aspartic acid 3821 with asparagine.
Molecular consequence: missense variant.
Genome position (GRCh38, 1-based): chrX:53,542,458, C>T on the plus strand (G>A on the coding strand, the complement: HUWE1 is on the minus strand). VCF-style: chrX-53542458-C-T. GRCh37 (hg19) VCF-style: chrX-53569419-C-T.
Other names: c.11461G>A (NM_031407.4); short protein forms D3821N.
Identifiers: ClinVar variation 2877128 (VCV002877128.5), dbSNP rs2522685224, ClinGen allele CA413162900.
Genomic context (GRCh38, chrX:53,542,458, plus strand): 5'-CTGGCTATCCCTTTTGCTCGGCTGGAAACAGGAAGTAGTACTGACCAATGGATTGAGTAT[C>T]TTGAGCACTGGGAGATGGCTGGTCCACATCCATGGGTGATTCCTCCCTCCGGACAGACGC-3'
Protein context (NP_113584.3, residues 3811-3831): DVDQPSPSAQ[Asp3821Asn]TQSIASDGTP